The following is an entry in ClinVar:

ClinVar aggregate classification (germline): Uncertain significance (1 of 4 stars; one submission).

Submission:

Labcorp Genetics (formerly Invitae), Labcorp
Classification: Uncertain significance. Last evaluated: 2023-05-26. Review status: criteria provided, single submitter. Criteria: Invitae Variant Classification Sherloc (09022015). Collection method: clinical testing. Allele origin: germline.
Comment: In summary, the available evidence is currently insufficient to determine the role of this variant in disease. Therefore, it has been classified as a Variant of Uncertain Significance. Experimental studies and prediction algorithms are not available or were not evaluated, and the functional significance of this variant is currently unknown. This variant has not been reported in the literature in individuals affected with COL4A1-related conditions. This variant is not present in population databases (gnomAD no frequency). This sequence change replaces asparagine, which is neutral and polar, with lysine, which is basic and polar, at codon 1508 of the COL4A1 protein (p.Asn1508Lys).

NM_001845.6(COL4A1):c.4524C>A (p.Asn1508Lys)

Gene: COL4A1 (collagen type IV alpha 1 chain; minus strand). Cytogenetic location: 13q34.
Variant type: single nucleotide variant.
Coding change: c.4524C>A on transcript NM_001845.6 (MANE Select); coding-DNA position 4524, C replaced by A.
Protein change: p.Asn1508Lys; replaces asparagine 1508 with lysine.
Molecular consequence: missense variant.
Genome position (GRCh38, 1-based): chr13:110,161,308, G>T on the plus strand (C>A on the coding strand, the complement: COL4A1 is on the minus strand). VCF-style: chr13-110161308-G-T. GRCh37 (hg19) VCF-style: chr13-110813655-G-T.
Other names: short protein forms N1508K.
Identifiers: ClinVar variation 2730646 (VCV002730646.3), dbSNP rs1262866337, ClinGen allele CA388657439.